The following is an entry in ClinVar:

ClinVar aggregate classification (germline): Uncertain significance (1 of 4 stars; one submission).

gnomAD v4.1: 1 of 1,613,386 alleles (0.000062%); highest among the groups gnomAD compares: South Asian, 0.0011%; no homozygotes.

Submission:

GeneDx
Classification: Uncertain significance. Last evaluated: 2024-02-26. Review status: criteria provided, single submitter. Criteria: GeneDx Variant Classification Process June 2021. Collection method: clinical testing. Allele origin: germline. Affected: yes.
Comment: Not observed at significant frequency in large population cohorts (gnomAD); In silico analysis supports that this missense variant has a deleterious effect on protein structure/function; Has not been previously published as pathogenic or benign to our knowledge

NM_001205293.3(CACNA1E):c.3641A>G (p.Asp1214Gly)

Gene: CACNA1E (calcium voltage-gated channel subunit alpha1 E; plus strand). Cytogenetic location: 1q25.3.
Variant type: single nucleotide variant.
Coding change: c.3641A>G on transcript NM_001205293.3 (MANE Select); coding-DNA position 3641, A replaced by G.
Protein change: p.Asp1214Gly; replaces aspartic acid 1214 with glycine.
Molecular consequence: missense variant.
Genome position (GRCh38, 1-based): chr1:181,739,175, A>G. VCF-style: chr1-181739175-A-G. GRCh37 (hg19) VCF-style: chr1-181708311-A-G.
Other names: c.3641A>G, p.Asp1214Gly (NM_000721.4); c.3584A>G, p.Asp1195Gly (NM_001205294.2); short protein forms D1195G, D1214G.
Identifiers: ClinVar variation 3369679 (VCV003369679.1).